The following is an entry in ClinVar:

ClinVar aggregate classification (germline): Uncertain significance. Review status: criteria provided, multiple submitters, no conflicts (2 of 4 stars). 4 submissions from 4 submitters: Uncertain significance (4). Last evaluated 2024-10-17.

Conditions:
Inborn genetic diseases. Identifiers: MedGen C0950123, MeSH D030342.

Allele frequency attached by ClinVar (database versions not stated): gnomAD 0.00006 and 0.00007; TOPMed 0.00009; ESP Exome Variant Server 0.00016.
gnomAD v4.1: 95 of 1,613,366 alleles (0.0059%); highest among the groups gnomAD compares: Non-Finnish European, 0.0081%; no homozygotes.

Submissions (4):

Blueprint Genetics
Classification: Uncertain significance. Last evaluated: 2024-10-17. Review status: criteria provided, single submitter. Criteria: ACMG Guidelines, 2015. Collection method: clinical testing. Allele origin: germline.

Ambry Genetics
Classification: Uncertain significance for Inborn genetic diseases. Last evaluated: 2024-09-11. Review status: criteria provided, single submitter. Criteria: Ambry Variant Classification Scheme 2023. Collection method: clinical testing. Allele origin: germline.

Labcorp Genetics (formerly Invitae), Labcorp
Classification: Uncertain significance. Last evaluated: 2022-11-03. Review status: criteria provided, single submitter. Criteria: Invitae Variant Classification Sherloc (09022015). Collection method: clinical testing. Allele origin: germline.
Comment: This sequence change replaces glutamine, which is neutral and polar, with leucine, which is neutral and non-polar, at codon 661 of the KIAA1549 protein (p.Gln661Leu). This variant is present in population databases (rs375009657, gnomAD 0.009%). This variant has not been reported in the literature in individuals affected with KIAA1549-related conditions. ClinVar contains an entry for this variant (Variation ID: 851510). Algorithms developed to predict the effect of missense changes on protein structure and function output the following: SIFT: "Deleterious"; PolyPhen-2: "Benign"; Align-GVGD: "Class C0". The leucine amino acid residue is found in multiple mammalian species, which suggests that this missense change does not adversely affect protein function. In summary, the available evidence is currently insufficient to determine the role of this variant in disease. Therefore, it has been classified as a Variant of Uncertain Significance.

CeGaT Center for Human Genetics Tuebingen
Classification: Uncertain significance. Last evaluated: 2022-11-01. Review status: criteria provided, single submitter. Criteria: CeGaT Center For Human Genetics Tuebingen Variant Classification Criteria Version 2. Collection method: clinical testing. Allele origin: germline. Affected: yes. Observed: 1 variant allele.
Comment: KIAA1549: PM2, BP4

NM_001164665.2(KIAA1549):c.1982A>T (p.Gln661Leu)

Gene: KIAA1549 (KIAA1549; minus strand). Cytogenetic location: 7q34.
Variant type: single nucleotide variant.
Coding change: c.1982A>T on transcript NM_001164665.2 (MANE Select); coding-DNA position 1982, A replaced by T.
Protein change: p.Gln661Leu; replaces glutamine 661 with leucine.
Molecular consequence: missense variant.
Genome position (GRCh38, 1-based): chr7:138,917,644, T>A on the plus strand (A>T on the coding strand, the complement: KIAA1549 is on the minus strand). VCF-style: chr7-138917644-T-A. GRCh37 (hg19) VCF-style: chr7-138602390-T-A.
Other names: c.1982A>T, p.Gln661Leu (NM_020910.3); short protein forms Q661L.
Identifiers: ClinVar variation 851510 (VCV000851510.30), dbSNP rs375009657, ClinGen allele CA4506586.